The following is an entry in ClinVar:

NM_032493.4(AP1M1):c.342G>C (p.Leu114=)

Gene: AP1M1 (adaptor related protein complex 1 subunit mu 1; plus strand). Cytogenetic location: 19p13.11.
Variant type: single nucleotide variant.
Coding change: c.342G>C on transcript NM_032493.4 (MANE Select); coding-DNA position 342, G replaced by C.
Protein change: p.Leu114=; no amino-acid change (leucine 114 retained).
Molecular consequence: synonymous variant.
Genome position (GRCh38, 1-based): chr19:16,208,093, G>C. VCF-style: chr19-16208093-G-C. GRCh37 (hg19) VCF-style: chr19-16318904-G-C.
Other names: c.342G>C, p.Leu114= (NM_001130524.2).
Identifiers: ClinVar variation 2649508 (VCV002649508.24), dbSNP rs143435975, ClinGen allele CA9276690.

ClinVar aggregate classification (germline): Likely benign (1 of 4 stars; one submission).

Allele frequency attached by ClinVar (database versions not stated): 1000 Genomes Project 30x 0.00047; 1000 Genomes Project 0.00060; TOPMed 0.00318; gnomAD 0.00457; ExAC 0.00471; ESP Exome Variant Server 0.00492.
gnomAD v4.1: 10,130 of 1,613,898 alleles (0.63%); highest among the groups gnomAD compares: Non-Finnish European, 0.68%; 49 homozygotes.

Submission:

CeGaT Center for Human Genetics Tuebingen
Classification: Likely benign. Last evaluated: 2023-03-01. Review status: criteria provided, single submitter. Criteria: CeGaT Center For Human Genetics Tuebingen Variant Classification Criteria Version 2. Collection method: clinical testing. Allele origin: germline. Affected: yes. Observed: 1 variant allele.
Comment: AP1M1: BP4, BP7, BS2